The following is an entry in ClinVar:

ClinVar aggregate classification (germline): Uncertain significance (1 of 4 stars; one submission).

Conditions:
Familial adenomatous polyposis 1 (FAP1). Also called: FAMILIAL ADENOMATOUS POLYPOSIS 1, ATTENUATED; POLYPOSIS, ADENOMATOUS INTESTINAL. Identifiers: MedGen C2713442, MONDO:0021056, OMIM 175100. Disease mechanism: loss of function.

Submission:

Labcorp Genetics (formerly Invitae), Labcorp
Classification: Uncertain significance for Familial adenomatous polyposis 1. Last evaluated: 2024-05-16. Review status: criteria provided, single submitter. Criteria: Invitae Variant Classification Sherloc (09022015). Collection method: clinical testing. Allele origin: germline.
Comment: This sequence change replaces glutamic acid, which is acidic and polar, with aspartic acid, which is acidic and polar, at codon 1149 of the APC protein (p.Glu1149Asp). This variant is not present in population databases (gnomAD no frequency). This variant has not been reported in the literature in individuals affected with APC-related conditions. Advanced modeling of protein sequence and biophysical properties (such as structural, functional, and spatial information, amino acid conservation, physicochemical variation, residue mobility, and thermodynamic stability) performed at Invitae indicates that this missense variant is not expected to disrupt APC protein function with a negative predictive value of 95%. In summary, the available evidence is currently insufficient to determine the role of this variant in disease. Therefore, it has been classified as a Variant of Uncertain Significance.

NM_000038.6(APC):c.3447A>T (p.Glu1149Asp)

Gene: APC (APC regulator of Wnt signaling pathway; plus strand). Cytogenetic location: 5q22.2.
Variant type: single nucleotide variant.
Coding change: c.3447A>T on transcript NM_000038.6 (MANE Select); coding-DNA position 3447, A replaced by T.
Protein change: p.Glu1149Asp; replaces glutamic acid 1149 with aspartic acid.
Molecular consequence: missense variant. On other transcripts: non-coding transcript variant (2).
Genome position (GRCh38, 1-based): chr5:112,839,041, A>T. VCF-style: chr5-112839041-A-T. GRCh37 (hg19) VCF-style: chr5-112174738-A-T.
Other names: c.3447A>T, p.Glu1149Asp (NM_001127510.3, NM_001354895.2, NM_001407450.1); c.3393A>T, p.Glu1131Asp (NM_001127511.3); c.3501A>T, p.Glu1167Asp (NM_001354896.2, NM_001407447.1, NM_001407448.1 and 1 more transcripts); c.3477A>T, p.Glu1159Asp (NM_001354897.2); c.3372A>T, p.Glu1124Asp (NM_001354898.2); c.3363A>T, p.Glu1121Asp (NM_001354899.2); c.3324A>T, p.Glu1108Asp (NM_001354900.2); c.3270A>T, p.Glu1090Asp (NM_001354901.2, NM_001407453.1); and 11 more; short protein forms E1020D, E1066D, E1167D, E1177D, E989D, E1048D, E1090D, E1142D.
Identifiers: ClinVar variation 3635442 (VCV003635442.2).